The following is an entry in ClinVar:

ClinVar aggregate classification (germline): Uncertain significance (1 of 4 stars; one submission).

Conditions:
Inborn genetic diseases. Identifiers: MedGen C0950123, MeSH D030342.

Submission:

Ambry Genetics
Classification: Uncertain significance for Inborn genetic diseases. Last evaluated: 2024-09-15. Review status: criteria provided, single submitter. Criteria: Ambry Variant Classification Scheme 2023. Collection method: clinical testing. Allele origin: germline.
Comment: The p.A108G variant (also known as c.323C>G), located in coding exon 5 of the ERCC2 gene, results from a C to G substitution at nucleotide position 323. The alanine at codon 108 is replaced by glycine, an amino acid with similar properties. This amino acid position is conserved. In addition, the in silico prediction for this alteration is inconclusive. Based on the available evidence, the clinical significance of this variant remains unclear.

NM_000400.4(ERCC2):c.323C>G (p.Ala108Gly)

Gene: ERCC2 (ERCC excision repair 2, TFIIH core complex helicase subunit; minus strand). Cytogenetic location: 19q13.32.
Variant type: single nucleotide variant.
Coding change: c.323C>G on transcript NM_000400.4 (MANE Select); coding-DNA position 323, C replaced by G.
Protein change: p.Ala108Gly; replaces alanine 108 with glycine.
Molecular consequence: missense variant.
Genome position (GRCh38, 1-based): chr19:45,368,667, G>C on the plus strand (C>G on the coding strand, the complement: ERCC2 is on the minus strand). VCF-style: chr19-45368667-G-C. GRCh37 (hg19) VCF-style: chr19-45871925-G-C.
Other names: c.251C>G, p.Ala84Gly (NM_001130867.2); short protein forms A84G, A108G.
Identifiers: ClinVar variation 3509865 (VCV003509865.1).
Genomic context (GRCh38, chr19:45,368,667, plus strand): 5'-AAGGAGAAGGAACAGGTGCTCACCTCAGGGTGAATACACAAGTTTTTGCGGGAGCTCAGA[G>C]CCAGTCCCAGAAACGGCAGCTTCTCGCCCTCCTGCTTCTCATAGAAGTTGAGCAACTTTC-3'
Protein context (NP_000391.1, residues 98-118): EGEKLPFLGL[Ala108Gly]LSSRKNLCIH